The following is an entry in ClinVar:

NM_058216.3(RAD51C):c.752A>G (p.Asp251Gly)

Gene: RAD51C (RAD51 paralog C; plus strand). Cytogenetic location: 17q22.
Variant type: single nucleotide variant.
Coding change: c.752A>G on transcript NM_058216.3 (MANE Select); coding-DNA position 752, A replaced by G.
Protein change: p.Asp251Gly; replaces aspartic acid 251 with glycine.
Molecular consequence: missense variant. On other transcripts: non-coding transcript variant (1).
Genome position (GRCh38, 1-based): chr17:58,709,905, A>G. VCF-style: chr17-58709905-A-G. GRCh37 (hg19) VCF-style: chr17-56787266-A-G.
Other names: c.752A>G (NM_058216.1); short protein forms D251G.
Identifiers: ClinVar variation 1098908 (VCV001098908.10), dbSNP rs2048496443, ClinGen allele CA400353596.

ClinVar aggregate classification (germline): Conflicting classifications of pathogenicity. Review status: criteria provided, conflicting classifications (1 of 4 stars). 4 submissions from 4 submitters: Uncertain significance (3); Likely benign (1). Last evaluated 2025-10-09.

Conditions:
Hereditary cancer-predisposing syndrome. Also called: Neoplastic Syndromes, Hereditary; Hereditary neoplastic syndrome; Hereditary Cancer Syndrome; Tumor predisposition. Identifiers: Orphanet 140162, MedGen C0027672, MeSH D009386, MONDO:0015356.
Breast-ovarian cancer, familial, susceptibility to, 3. Also called: RAD51C-Related Breast/Ovarian Cancer. Identifiers: Orphanet 145, MedGen C3150659, MONDO:0013253, OMIM 613399.
Fanconi anemia complementation group O. Also called: RAD51C-Related Fanconi Anemia. Identifiers: Orphanet 84, MedGen C3150653, MONDO:0013248, OMIM 613390.

Allele frequency attached by ClinVar (database versions not stated): TOPMed below 0.00001.

Submissions (4):

Ambry Genetics
Classification: Likely benign for Hereditary cancer-predisposing syndrome. Last evaluated: 2025-10-09. Review status: criteria provided, single submitter. Criteria: Ambry Variant Classification Scheme 2023. Collection method: clinical testing. Allele origin: germline.

Labcorp Genetics (formerly Invitae), Labcorp
Classification: Uncertain significance for Fanconi anemia complementation group O. Last evaluated: 2025-08-25. Review status: criteria provided, single submitter. Criteria: Invitae Variant Classification Sherloc (09022015). Collection method: clinical testing. Allele origin: germline.
Comment: This sequence change replaces aspartic acid, which is acidic and polar, with glycine, which is neutral and non-polar, at codon 251 of the RAD51C protein (p.Asp251Gly). This variant is not present in population databases (gnomAD no frequency). This missense change has been observed in individual(s) with breast cancer (PMID: 26976419). ClinVar contains an entry for this variant (Variation ID: 1098908). Invitae Evidence Modeling of protein sequence and biophysical properties (such as structural, functional, and spatial information, amino acid conservation, physicochemical variation, residue mobility, and thermodynamic stability) indicates that this missense variant is not expected to disrupt RAD51C protein function with a negative predictive value of 80%. In summary, the available evidence is currently insufficient to determine the role of this variant in disease. Therefore, it has been classified as a Variant of Uncertain Significance.

Color Diagnostics, LLC DBA Color Health
Classification: Uncertain significance for Hereditary cancer-predisposing syndrome. Last evaluated: 2022-06-21. Review status: criteria provided, single submitter. Criteria: ACMG Guidelines, 2015. Collection method: clinical testing. Allele origin: germline.
Comment: This missense variant replaces aspartic acid with glycine at codon 251 of the RAD51C protein. Computational prediction suggests that this variant may not impact protein structure and function (internally defined REVEL score threshold <= 0.5, PMID: 27666373). To our knowledge, functional studies have not been reported for this variant. This variant has been reported in an individual affected with breast cancer in the literature (PMID: 26976419). This variant has not been identified in the general population by the Genome Aggregation Database (gnomAD). The available evidence is insufficient to determine the role of this variant in disease conclusively. Therefore, this variant is classified as a Variant of Uncertain Significance.

Hereditary Cancer Group, L’Institut d'Investigació Biomèdica de Bellvitge
Classification: Uncertain significance for Breast-ovarian cancer, familial, susceptibility to, 3. Last evaluated: 2021-05-03. Review status: criteria provided, single submitter. Criteria: ACMG Guidelines, 2015. Collection method: curation. Allele origin: germline.

Literature cited by the submitters: PubMed 26976419 (cited by 4 submitters).